The following is an entry in ClinVar:

ClinVar aggregate classification (germline): Uncertain significance (1 of 4 stars; one submission).

Allele frequency attached by ClinVar (database versions not stated): gnomAD exomes below 0.00001.
gnomAD v4.1: 1 of 1,614,186 alleles (0.000062%); highest among the groups gnomAD compares: Non-Finnish European, 0.000085%; no homozygotes.

Submission:

Labcorp Genetics (formerly Invitae), Labcorp
Classification: Uncertain significance. Last evaluated: 2021-02-04. Review status: criteria provided, single submitter. Criteria: Invitae Variant Classification Sherloc (09022015). Collection method: clinical testing. Allele origin: germline.
Comment: In summary, the available evidence is currently insufficient to determine the role of this variant in disease. Therefore, it has been classified as a Variant of Uncertain Significance. Algorithms developed to predict the effect of missense changes on protein structure and function (SIFT, PolyPhen-2, Align-GVGD) all suggest that this variant is likely to be disruptive, but these predictions have not been confirmed by published functional studies and their clinical significance is uncertain. This variant has not been reported in the literature in individuals with IDH3A-related conditions. This variant is not present in population databases (ExAC no frequency). This sequence change replaces glutamine with arginine at codon 166 of the IDH3A protein (p.Gln166Arg). The glutamine residue is highly conserved and there is a small physicochemical difference between glutamine and arginine.

NM_005530.3(IDH3A):c.497A>G (p.Gln166Arg)

Gene: IDH3A (isocitrate dehydrogenase (NAD(+)) 3 catalytic subunit alpha; plus strand). Cytogenetic location: 15q25.1.
Variant type: single nucleotide variant.
Coding change: c.497A>G on transcript NM_005530.3 (MANE Select); coding-DNA position 497, A replaced by G.
Protein change: p.Gln166Arg; replaces glutamine 166 with arginine.
Molecular consequence: missense variant.
Genome position (GRCh38, 1-based): chr15:78,162,253, A>G. VCF-style: chr15-78162253-A-G. GRCh37 (hg19) VCF-style: chr15-78454595-A-G.
Other names: short protein forms Q166R.
Identifiers: ClinVar variation 1507722 (VCV001507722.8), dbSNP rs2141298130, ClinGen allele CA393542881.